The following is an entry in ClinVar:

NM_052997.3(ANKRD30A):c.1393+8G>A

Gene: ANKRD30A (ankyrin repeat domain 30A; plus strand). Cytogenetic location: 10p11.21.
Variant type: single nucleotide variant.
Coding change: c.1393+8G>A on transcript NM_052997.3 (MANE Select); 8 bases into the intron after coding-DNA position 1393, G replaced by A.
Molecular consequence: intron variant.
Genome position (GRCh38, 1-based): chr10:37,142,298, G>A. VCF-style: chr10-37142298-G-A. GRCh37 (hg19) VCF-style: chr10-37431226-G-A.
Identifiers: ClinVar variation 3025075 (VCV003025075.22), dbSNP rs372823949, ClinGen allele CA5471196.

ClinVar aggregate classification (germline): Likely benign (1 of 4 stars; one submission).

Allele frequency attached by ClinVar (database versions not stated): TOPMed 0.00020; ExAC 0.00023; gnomAD 0.00027; ESP Exome Variant Server 0.00033; gnomAD exomes 0.00034.
gnomAD v4.1: 522 of 1,575,488 alleles (0.033%); highest among the groups gnomAD compares: Non-Finnish European, 0.043%; no homozygotes.

Submission:

CeGaT Center for Human Genetics Tuebingen
Classification: Likely benign. Last evaluated: 2024-02-01. Review status: criteria provided, single submitter. Criteria: CeGaT Center For Human Genetics Tuebingen Variant Classification Criteria Version 2. Collection method: clinical testing. Allele origin: germline. Affected: yes. Observed: 1 variant allele.
Comment: ANKRD30A: BP4